The following is an entry in ClinVar:

NM_001004051.4(GPRASP2):c.275G>A (p.Gly92Glu)

Genes: ARMCX5-GPRASP2 (ARMCX5-GPRASP2 readthrough; plus strand), GPRASP2 (G protein-coupled receptor associated sorting protein 2; plus strand). Cytogenetic location: Xq22.1.
Variant type: single nucleotide variant.
Coding change: c.275G>A on transcript NM_001004051.4 (MANE Select); coding-DNA position 275, G replaced by A.
Protein change: p.Gly92Glu; replaces glycine 92 with glutamic acid.
Molecular consequence: missense variant. On other transcripts: intron variant (3).
Genome position (GRCh38, 1-based): chrX:102,715,144, G>A. VCF-style: chrX-102715144-G-A. GRCh37 (hg19) VCF-style: chrX-101970072-G-A.
Other names: c.275G>A, p.Gly92Glu (NM_001199818.1, NM_001184874.3, NM_001184875.3 and 2 more transcripts); c.-820+878G>A (NM_001350268.2); c.-752+878G>A (NM_001350269.2); c.-721+878G>A (NM_001350270.1); short protein forms G92E.
Identifiers: ClinVar variation 4987861 (VCV004987861.1).

ClinVar aggregate classification (germline): Uncertain significance (1 of 4 stars; one submission).

Conditions:
GPRASP2-related disorder. Also called: GPRASP2-related condition.

gnomAD v4.1: 21 of 1,211,513 alleles (0.0017%); highest among the groups gnomAD compares: Non-Finnish European, 0.0022%; no homozygotes.

Submission:

PreventionGenetics, part of Exact Sciences
Classification: Uncertain significance for GPRASP2-related condition. Last evaluated: 2026-06-10. Review status: criteria provided, single submitter. Criteria: ACMG Guidelines, 2015. Collection method: clinical testing. Allele origin: germline.
Comment: The GPRASP2 c.275G>A variant is predicted to result in the amino acid substitution p.Gly92Glu. To our knowledge, this variant has not been reported in the literature. This variant is reported in 0.0025% of alleles in individuals of European (Non-Finnish) descent in gnomAD. At this time, the clinical significance of this variant is uncertain due to the absence of conclusive functional and genetic evidence.